The following is an entry in ClinVar:

NM_000751.3(CHRND):c.826G>A (p.Glu276Lys)

Gene: CHRND (cholinergic receptor nicotinic delta subunit; plus strand). Cytogenetic location: 2q37.1.
Variant type: single nucleotide variant.
Coding change: c.826G>A on transcript NM_000751.3 (MANE Select); coding-DNA position 826, G replaced by A.
Protein change: p.Glu276Lys; replaces glutamic acid 276 with lysine.
Molecular consequence: missense variant.
Genome position (GRCh38, 1-based): chr2:232,531,357, G>A. VCF-style: chr2-232531357-G-A. GRCh37 (hg19) VCF-style: chr2-233396067-G-A.
Other names: c.781G>A, p.Glu261Lys (NM_001256657.2); c.244G>A, p.Glu82Lys (NM_001311195.2); c.523G>A, p.Glu175Lys (NM_001311196.2); short protein forms E175K, E261K, E276K, E82K.
Identifiers: ClinVar variation 1705579 (VCV001705579.2), dbSNP rs2469727063, ClinGen allele CA351002303.
Genomic context (GRCh38, chr2:232,531,357, plus strand): 5'-GCTGGACCCTCTAGGACCGGTGCCCCAAGGTCACAGCTAAGTCTGGCTTCCCCAGGTGGT[G>A]AGAAGACATCAGTGGCCATCTCGGTGCTCCTGGCTCAGTCTGTCTTCCTGCTGCTCATCT-3'
Protein context (NP_000742.1, residues 266-286): LVFYLPADSG[Glu276Lys]KTSVAISVLL

ClinVar aggregate classification (germline): Uncertain significance. Review status: criteria provided, multiple submitters, no conflicts (2 of 4 stars). 2 submissions from 2 submitters: Uncertain significance (2). Last evaluated 2026-05-29.

Conditions:
Congenital myasthenic syndrome 3B (CMS3B). Also called: Myasthenic syndrome, congenital, 3B, fast-channel. Identifiers: Orphanet 590, MedGen C4225371, MONDO:0014584, OMIM 616322.

Submissions (2):

Women's Health and Genetics/Laboratory Corporation of America, LabCorp
Classification: Uncertain significance. Last evaluated: 2026-05-29. Review status: criteria provided, single submitter. Criteria: LabCorp Variant Classification Summary - May 2015. Collection method: clinical testing. Allele origin: germline.
Comment: Variant summary: CHRND c.826G>A (p.Glu276Lys) results in a conservative amino acid change in the encoded protein sequence. Algorithms developed to predict the effect of missense changes on protein structure and function are either unavailable or do not agree on the potential impact of this missense change. The variant was absent in 250336 control chromosomes. The available data on variant occurrences in the general population are insufficient to allow any conclusion about variant significance. To our knowledge, no occurrence of c.826G>A in individuals affected with CHRND-related conditions and no experimental evidence demonstrating its impact on protein function have been reported. ClinVar contains an entry for this variant (Variation ID: 1705579). Based on the evidence outlined above, the variant was classified as uncertain significance.

3billion
Classification: Uncertain significance for Congenital myasthenic syndrome 3B. Last evaluated: 2022-09-01. Review status: criteria provided, single submitter. Criteria: ACMG Guidelines, 2015. Collection method: clinical testing. Allele origin: germline. Affected: yes. Observed: 1 heterozygote.
Comment: The variant is not observed in the gnomAD v2.1.1 dataset. In silico tool predictions suggest damaging effect of the variant on gene or gene product (REVEL: 0.77; 3Cnet: 0.82). Therefore, this variant is classified as uncertain significance according to the recommendation of ACMG/AMP guideline.